The following is an entry in ClinVar:

ClinVar aggregate classification (germline): Uncertain significance (1 of 4 stars; one submission).

Conditions:
Long QT syndrome (LQTS). Identifiers: MedGen C0023976, MeSH D008133, MONDO:0002442. Disease mechanism: loss of function. Inheritance: Various modes of inheritance.

Allele frequency attached by ClinVar (database versions not stated): gnomAD exomes below 0.00001.
gnomAD v4.1: 1 of 1,585,918 alleles (0.000063%); highest among the groups gnomAD compares: Non-Finnish European, 0.000086%; no homozygotes.

Submission:

Labcorp Genetics (formerly Invitae), Labcorp
Classification: Uncertain significance for Long QT syndrome. Last evaluated: 2023-10-12. Review status: criteria provided, single submitter. Criteria: Invitae Variant Classification Sherloc (09022015). Collection method: clinical testing. Allele origin: germline.
Comment: This sequence change replaces phenylalanine, which is neutral and non-polar, with valine, which is neutral and non-polar, at codon 998 of the KCNH2 protein (p.Phe998Val). This variant is not present in population databases (gnomAD no frequency). This variant has not been reported in the literature in individuals affected with KCNH2-related conditions. An algorithm developed to predict the effect of missense changes on protein structure and function (PolyPhen-2) suggests that this variant is likely to be disruptive. Algorithms developed to predict the effect of sequence changes on RNA splicing suggest that this variant may disrupt the consensus splice site. In summary, the available evidence is currently insufficient to determine the role of this variant in disease. Therefore, it has been classified as a Variant of Uncertain Significance.

NM_000238.4(KCNH2):c.2992T>G (p.Phe998Val)

Gene: KCNH2 (potassium voltage-gated channel subfamily H member 2; minus strand). Cytogenetic location: 7q36.1.
Variant type: single nucleotide variant.
Coding change: c.2992T>G on transcript NM_000238.4 (MANE Select); coding-DNA position 2992, T replaced by G.
Protein change: p.Phe998Val; replaces phenylalanine 998 with valine.
Molecular consequence: missense variant. On other transcripts: non-coding transcript variant (2).
Genome position (GRCh38, 1-based): chr7:150,947,488, A>C on the plus strand (T>G on the coding strand, the complement: KCNH2 is on the minus strand). VCF-style: chr7-150947488-A-C. GRCh37 (hg19) VCF-style: chr7-150644576-A-C.
Other names: c.2704T>G, p.Phe902Val (NM_001406753.1); c.1972T>G, p.Phe658Val (NM_172057.3); short protein forms F998V, F902V, F658V.
Identifiers: ClinVar variation 2968129 (VCV002968129.3), dbSNP rs2486005241, ClinGen allele CA369852967.